The following is an entry in ClinVar:

NM_031418.4(ANO3):c.1969G>A (p.Ala657Thr)

Gene: ANO3 (anoctamin 3; plus strand). Cytogenetic location: 11p14.2.
Variant type: single nucleotide variant.
Coding change: c.1969G>A on transcript NM_031418.4 (MANE Select); coding-DNA position 1969, G replaced by A.
Protein change: p.Ala657Thr; replaces alanine 657 with threonine.
Molecular consequence: missense variant.
Genome position (GRCh38, 1-based): chr11:26,634,299, G>A. VCF-style: chr11-26634299-G-A. GRCh37 (hg19) VCF-style: chr11-26655846-G-A.
Other names: c.2152G>A, p.Ala718Thr (NM_001313726.2); c.1531G>A, p.Ala511Thr (NM_001313727.2); short protein forms A718T, A511T, A657T.
Identifiers: ClinVar variation 807374 (VCV000807374.5), dbSNP rs1478393931, ClinGen allele CA379934157.

ClinVar aggregate classification (germline): Likely pathogenic. Review status: criteria provided, multiple submitters, no conflicts (2 of 4 stars). 2 submissions from 2 submitters: Likely pathogenic (2). Last evaluated 2024-01-31.

Conditions:
Dystonic disorder. Also called: Dystonia. Identifiers: MedGen C0013421, MONDO:0003441, HP:0001332.
Dystonia 24 (DYT24). Also called: DYT-ANO3. Identifiers: Orphanet 420485, MedGen C3554374, MONDO:0014019, OMIM 615034.

Allele frequency attached by ClinVar (database versions not stated): gnomAD exomes below 0.00001 and 0.00001.

Submissions (2):

Labcorp Genetics (formerly Invitae), Labcorp
Classification: Likely pathogenic for Dystonic disorder. Last evaluated: 2024-01-31. Review status: criteria provided, single submitter. Criteria: Invitae Variant Classification Sherloc (09022015). Collection method: clinical testing. Allele origin: germline.
Comment: This sequence change replaces alanine, which is neutral and non-polar, with threonine, which is neutral and polar, at codon 657 of the ANO3 protein (p.Ala657Thr). The frequency data for this variant in the population databases is considered unreliable, as metrics indicate poor data quality at this position in the gnomAD database. This missense change has been observed in individuals with dystonia (PMID: 27392807, 27666935, 33640251; Invitae). It has also been observed to segregate with disease in related individuals. ClinVar contains an entry for this variant (Variation ID: 807374). Advanced modeling of protein sequence and biophysical properties (such as structural, functional, and spatial information, amino acid conservation, physicochemical variation, residue mobility, and thermodynamic stability) performed at Invitae indicates that this missense variant is not expected to disrupt ANO3 protein function with a negative predictive value of 80%. In summary, the currently available evidence indicates that the variant is pathogenic, but additional data are needed to prove that conclusively. Therefore, this variant has been classified as Likely Pathogenic.

Institute of Human Genetics Munich, TUM University Hospital
Classification: Likely pathogenic for Dystonia 24. Last evaluated: 2019-06-13. Review status: criteria provided, single submitter. Criteria: Classification criteria August 2017. Collection method: clinical testing. Allele origin: germline. Inheritance: Autosomal dominant inheritance. Affected: yes. Observed: 1 heterozygote.

Literature cited by the submitters: PubMed 27392807 (cited by Labcorp Genetics (formerly Invitae), Labcorp); PubMed 27666935 (cited by Labcorp Genetics (formerly Invitae), Labcorp); PubMed 33640251 (cited by Labcorp Genetics (formerly Invitae), Labcorp).